The following is an entry in ClinVar:

NM_000051.4(ATM):c.2922-2A>G

Gene: ATM (ATM serine/threonine kinase; plus strand). Cytogenetic location: 11q22.3.
Variant type: single nucleotide variant.
Coding change: c.2922-2A>G on transcript NM_000051.4 (MANE Select); the canonical splice acceptor site of the intron before coding-DNA position 2922, A replaced by G.
Molecular consequence: splice acceptor variant.
Genome position (GRCh38, 1-based): chr11:108,271,249, A>G. VCF-style: chr11-108271249-A-G. GRCh37 (hg19) VCF-style: chr11-108141976-A-G.
Other names: c.2922-2A>G (NM_001351834.2).
Identifiers: ClinVar variation 3447779 (VCV003447779.4).

ClinVar aggregate classification (germline): Pathogenic/Likely pathogenic. Review status: criteria provided, multiple submitters, no conflicts (2 of 4 stars). 3 submissions from 3 submitters: Pathogenic (1); Likely pathogenic (2). Last evaluated 2026-04-28.

Conditions:
Familial cancer of breast. Also called: Hereditary breast cancer; BREAST CANCER, FAMILIAL; hereditary breast carcinoma. Identifiers: Orphanet 227535, MedGen C0346153, MONDO:0016419, OMIM 114480. Disease mechanism: loss of function.
Hereditary cancer-predisposing syndrome. Also called: Neoplastic Syndromes, Hereditary; Tumor predisposition; Hereditary Cancer Syndrome; Hereditary neoplastic syndrome. Identifiers: Orphanet 140162, MedGen C0027672, MeSH D009386, MONDO:0015356.

Submissions (3):

Myriad Genetics, Inc.
Classification: Pathogenic for Familial cancer of breast. Last evaluated: 2026-04-28. Review status: criteria provided, single submitter. Criteria: Myriad Autosomal Dominant, Autosomal Recessive and X-Linked Classification Criteria (2023). Collection method: clinical testing. Allele origin: unknown.
Comment: This variant is considered pathogenic. This variant occurs within a consensus splice junction and is predicted to result in abnormal mRNA splicing of either an out-of-frame exon or an in-frame exon necessary for protein stability and/or normal function. This variant has been reported in multiple individuals with clinical features of gene-specific disease [PMID: 21665257, 16864838, 14695534, 21893220]. mRNA analysis has demonstrated abnormal mRNA splicing occurs [PMID: 40225916, 41596415]. Functional studies indicate this variant impacts protein function [PMID: 16864838, 14695534].

Ambry Genetics
Classification: Likely pathogenic for Hereditary cancer-predisposing syndrome. Last evaluated: 2025-09-18. Review status: criteria provided, single submitter. Criteria: Ambry Variant Classification Scheme 2023. Collection method: clinical testing. Allele origin: germline.
Comment: The c.2922-2A>G intronic variant results from an A to G substitution two nucleotides upstream from coding exon 19 in the ATM gene. This variant has been identified in the homozygous state in individual(s) with ataxia telangiectasia (Eng L et al. Hum Mutat, 2004 Jan;23:67-76). Other variant(s) impacting the same acceptor site (c.2922-1G>A) have been identified in individual(s) with features consistent with ataxia telangiectasia (Quirk SM et al. Endocrinology, 1986 Jun;118:2402-10; Verhagen MM et al. Hum Mutat, 2012 Mar;33:561-71). This variant is considered to be rare based on population cohorts in the Genome Aggregation Database (gnomAD). This nucleotide position is highly conserved in available vertebrate species. In silico splice site analysis predicts that this alteration will weaken the native splice acceptor site and will result in the creation or strengthening of a novel splice acceptor site. RNA studies have demonstrated that this alteration results in abnormal splicing in the set of samples tested (Ambry internal data). Based on the majority of available evidence to date, this variant is likely to be pathogenic.

KCCC/NGS Laboratory, Kuwait Cancer Control Center
Classification: Likely pathogenic for Familial cancer of breast. Last evaluated: 2025-07-07. Review status: criteria provided, single submitter. Criteria: ACMG Guidelines, 2015. Collection method: clinical testing. Allele origin: germline. Inheritance: Autosomal dominant inheritance. Affected: yes. Observed: 1 heterozygote.
Comment: The c.2922-2A>G intronic variant results from an A to G substitution two nucleotides upstream from coding exon 19 in the ATM gene. This variant has been identified in the homozygous state in individual(s) with ataxia-telangiectasia (Eng L et al. Hum Mutat, 2004 Jan;23:67-76). This nucleotide position is highly conserved in available vertebrate species. In silico splice site analysis predicts that this alteration will weaken the native splice acceptor site and will result in the creation or strengthening of a novel splice acceptor site. RNA studies have demonstrated that this alteration results in abnormal splicing in the set of samples tested (Ambry internal data). This variant is considered to be rare based on population cohorts in the Genome Aggregation Database (gnomAD). Based on the majority of available evidence to date, this variant is likely to be pathogenic. Pathogenic mutations in the ATM gene are associated with Ataxia Telangiectasia; and increased risk of breast cancer, certain types of leukemias and lymphomas.

Literature cited by the submitters: PubMed 21665257 (cited by Myriad Genetics, Inc.); PubMed 16864838 (cited by Myriad Genetics, Inc.); PubMed 14695534 (cited by Myriad Genetics, Inc. and Ambry Genetics); PubMed 21893220 (cited by Myriad Genetics, Inc.); PubMed 40225916 (cited by Myriad Genetics, Inc.); PubMed 41596415 (cited by Myriad Genetics, Inc.).